The following is an entry in ClinVar:

ClinVar aggregate classification (germline): Uncertain significance (1 of 4 stars; one submission).

gnomAD v4.1: 2 of 1,613,144 alleles (0.00012%); highest among the groups gnomAD compares: Non-Finnish European, 0.000085%; no homozygotes.

Submission:

GeneDx
Classification: Uncertain significance. Last evaluated: 2025-07-18. Review status: criteria provided, single submitter. Criteria: GeneDx Variant Classification Process June 2021. Collection method: clinical testing. Allele origin: germline. Affected: yes.
Comment: Not observed at significant frequency in large population cohorts (gnomAD); In silico analysis supports a deleterious effect on splicing; Has not been previously published as pathogenic or benign to our knowledge

NM_002529.4(NTRK1):c.287+5G>A

Gene: NTRK1 (neurotrophic receptor tyrosine kinase 1; plus strand). Cytogenetic location: 1q23.1.
Variant type: single nucleotide variant.
Coding change: c.287+5G>A on transcript NM_002529.4 (MANE Select); 5 bases into the intron after coding-DNA position 287, G replaced by A.
Molecular consequence: intron variant.
Genome position (GRCh38, 1-based): chr1:156,864,433, G>A. VCF-style: chr1-156864433-G-A. GRCh37 (hg19) VCF-style: chr1-156834225-G-A.
Other names: c.197+5G>A (NM_001007792.1); c.287+5G>A (NM_001012331.2).
Identifiers: ClinVar variation 4686933 (VCV004686933.1).